The following is an entry in ClinVar:

NM_005591.4(MRE11):c.1217A>G (p.Glu406Gly)

Gene: MRE11 (MRE11 double strand break repair nuclease; minus strand). Cytogenetic location: 11q21.
Variant type: single nucleotide variant.
Coding change: c.1217A>G on transcript NM_005591.4 (MANE Select); coding-DNA position 1217, A replaced by G.
Protein change: p.Glu406Gly; replaces glutamic acid 406 with glycine.
Molecular consequence: missense variant.
Genome position (GRCh38, 1-based): chr11:94,464,121, T>C on the plus strand (A>G on the coding strand, the complement: MRE11 is on the minus strand). VCF-style: chr11-94464121-T-C. GRCh37 (hg19) VCF-style: chr11-94197287-T-C.
Other names: c.1217A>G, p.Glu406Gly (NM_001330347.2, NM_001440460.1, NM_001440461.1 and 15 more transcripts); c.1142A>G, p.Glu381Gly (NM_001440471.1, NM_001440472.1, NM_001440479.1); c.1136A>G, p.Glu379Gly (NM_001440473.1, NM_001440477.1, NM_001440478.1); c.872A>G, p.Glu291Gly (NM_001440482.1, NM_001440483.1, NM_001440484.1); c.749A>G, p.Glu250Gly (NM_001440485.1, NM_001440486.1, NM_001440487.1); short protein forms E250G, E291G, E379G, E381G, E406G.
Identifiers: ClinVar variation 4650887 (VCV004650887.1).
Genomic context (GRCh38, chr11:94,464,121, plus strand): 5'-TTCACAAATCCTATAAGAACATTTTTTTACCTCATAAAAATAACTAGCTTACCTGTTTTT[T>C]CCTTTTGTTCTCTATGCCTGAAAAAATGGATAATGTCTTTTGGATTAGCTACCCGATCCA-3'
Protein context (NP_005582.1, residues 396-416): IHFFRHREQK[Glu406Gly]KTGEEINFGK

ClinVar aggregate classification (germline): Uncertain significance (1 of 4 stars; one submission).

Conditions:
Hereditary cancer-predisposing syndrome. Also called: Neoplastic Syndromes, Hereditary; Tumor predisposition; Hereditary Cancer Syndrome; Hereditary neoplastic syndrome. Identifiers: Orphanet 140162, MedGen C0027672, MeSH D009386, MONDO:0015356.

gnomAD v4.1: 2 of 1,613,474 alleles (0.00012%); highest among the groups gnomAD compares: East Asian, 0.0022%; no homozygotes.

Submission:

Ambry Genetics
Classification: Uncertain significance for Hereditary cancer-predisposing syndrome. Last evaluated: 2025-11-25. Review status: criteria provided, single submitter. Criteria: Ambry Variant Classification Scheme 2023. Collection method: clinical testing. Allele origin: germline.
Comment: The p.E406G variant (also known as c.1217A>G), located in coding exon 10 of the MRE11A gene, results from an A to G substitution at nucleotide position 1217. The glutamic acid at codon 406 is replaced by glycine, an amino acid with similar properties. This amino acid position is conserved. In addition, this alteration is predicted to be tolerated by in silico analysis. Based on the available evidence, the clinical significance of this variant remains unclear.